The following is an entry in ClinVar:

ClinVar aggregate classification (germline): Pathogenic. Review status: criteria provided, multiple submitters, no conflicts (2 of 4 stars). 8 submissions from 8 submitters: Pathogenic (6). 2 of the submissions do not count toward it. Last evaluated 2025-11-05.

Conditions:
Achromatopsia 2 (ACHM2). Also called: COLORBLINDNESS, TOTAL; ROD MONOCHROMACY 2; ROD MONOCHROMATISM 2. Identifiers: Orphanet 49382, MedGen C1857618, MONDO:0009003, OMIM 216900.
CNGA3-related disorder. Also called: CNGA3-related condition.
Achromatopsia. Also called: Rod monochromatism. Identifiers: Orphanet 49382, MedGen C0152200, MONDO:0018852, HP:0011516.
CNGA3-related disorders.

Allele frequency attached by ClinVar (database versions not stated): gnomAD 0.00008; TOPMed 0.00010; ESP Exome Variant Server 0.00023.
gnomAD v4.1: 212 of 1,613,534 alleles (0.013%); highest among the groups gnomAD compares: Non-Finnish European, 0.017%; no homozygotes.

Submissions (8):

Labcorp Genetics (formerly Invitae), Labcorp
Classification: Pathogenic. Last evaluated: 2025-11-05. Review status: criteria provided, single submitter. Criteria: Invitae Variant Classification Sherloc (09022015). Collection method: clinical testing. Allele origin: germline.
Comment: This sequence change replaces arginine, which is basic and polar, with tryptophan, which is neutral and slightly polar, at codon 223 of the CNGA3 protein (p.Arg223Trp). This variant is present in population databases (rs138958917, gnomAD 0.02%). This missense change has been observed in individuals with achromatopsia (PMID: 11536077, 23972307). ClinVar contains an entry for this variant (Variation ID: 498768). Invitae Evidence Modeling of protein sequence and biophysical properties (such as structural, functional, and spatial information, amino acid conservation, physicochemical variation, residue mobility, and thermodynamic stability) has been performed for this missense variant. However, the output from this modeling did not meet the statistical confidence thresholds required to predict the impact of this variant on CNGA3 protein function. Experimental studies have shown that this missense change affects CNGA3 function (PMID: 17693388). This variant disrupts the p.Arg223 amino acid residue in CNGA3. Other variant(s) that disrupt this residue have been determined to be pathogenic (PMID: 24504161, 24903488, 26992781; internal data). This suggests that this residue is clinically significant, and that variants that disrupt this residue are likely to be disease-causing. For these reasons, this variant has been classified as Pathogenic.

GeneDx
Classification: Pathogenic. Last evaluated: 2025-07-18. Review status: criteria provided, single submitter. Criteria: GeneDx Variant Classification Process June 2021. Collection method: clinical testing. Allele origin: germline. Affected: yes.
Comment: Observed in homozygous state in patients with features of a CNGA3-related retinal dystrophy in the literature and not observed in homozygous state in controls (PMID: 11536077, 24903488); Published functional studies demonstrate a damaging effect (suggested loss of function of CNG channels) (PMID: 17693388); In silico analysis supports that this missense variant has a deleterious effect on protein structure/function; This variant is associated with the following publications: (PMID: 24903488, 31964843, 36460718, 33562422, 35456422, 26992781, 23972307, 25283059, 18445228, 24793738, 15712225, 14757870, 17265047, 27040408, 28341476, 30418171, 27820752, 25168900, 24504161, 11536077, 17693388)

Blueprint Genetics
Classification: Pathogenic for CNGA3-related disorders. Last evaluated: 2024-08-15. Review status: criteria provided, single submitter. Criteria: ACMG Guidelines, 2015. Collection method: clinical testing. Allele origin: germline. Affected: yes. Observed: 5 variant alleles.

Fulgent Genetics
Classification: Pathogenic for Achromatopsia 2. Last evaluated: 2022-03-21. Review status: criteria provided, single submitter. Criteria: ACMG Guidelines, 2015. Collection method: clinical testing. Allele origin: unknown.

Molecular Genetics Laboratory, Institute for Ophthalmic Research
Classification: Pathogenic for Achromatopsia. Last evaluated: 2018-03-20. Review status: criteria provided, single submitter. Criteria: ACMG Guidelines, 2015. Collection method: research. Allele origin: germline. Affected: yes.

Eurofins Ntd Llc (ga)
Classification: Pathogenic. Last evaluated: 2017-01-10. Review status: criteria provided, single submitter. Criteria: EGL Classification Definitions 2015. Collection method: clinical testing. Allele origin: germline. Observed: 1 variant allele, 1 heterozygote.

PreventionGenetics, part of Exact Sciences
Classification: Pathogenic for CNGA3-related condition. Last evaluated: 2024-09-16. Review status: no assertion criteria provided. Collection method: clinical testing. Allele origin: germline. Not counted in ClinVar's aggregate classification.
Comment: The CNGA3 c.667C>T variant is predicted to result in the amino acid substitution p.Arg223Trp. This variant has been reported in the homozygous and compound heterozygous states in individuals with achromatopsia (see for examples: Wissinger et al. 2001. PubMed ID: 11536077; Nishiguchi et al. 2005. PubMed ID: 15712225; Fahim et al. 2013. PubMed ID: 23972307; Lin et al. 2024. PubMed ID: 38219857). Alternate substitutions of this amino acid residue (p.Arg223Gly and p.Arg223Gln) have also been reported in individuals with achromatopsia (Table S2, Sharon et al. 2019. PubMed ID: 31456290; Table S1, Weisschuh et al. 2020. PubMed ID: 32531858). This variant is reported in 0.015% of alleles in individuals of European (Non-Finnish) descent in gnomAD. Given the evidence, we interpret this variant as pathogenic.

Laboratory of Genetics in Ophthalmology, Institut Imagine
Classification: Pathogenic for Achromatopsia 2. Review status: no assertion criteria provided. Collection method: research. Allele origin: inherited. Affected: yes. Observed: 1 variant allele. Not counted in ClinVar's aggregate classification.

Literature cited by the submitters: PubMed 11536077 (cited by Labcorp Genetics (formerly Invitae), Labcorp and Laboratory of Genetics in Ophthalmology, Institut Imagine); PubMed 23972307 (cited by Labcorp Genetics (formerly Invitae), Labcorp); PubMed 17693388 (cited by Labcorp Genetics (formerly Invitae), Labcorp); PubMed 24504161 (cited by Labcorp Genetics (formerly Invitae), Labcorp); PubMed 24903488 (cited by Labcorp Genetics (formerly Invitae), Labcorp); PubMed 26992781 (cited by Labcorp Genetics (formerly Invitae), Labcorp); PubMed 14757870 (cited by Eurofins Ntd Llc (ga)); PubMed 15712225 (cited by Eurofins Ntd Llc (ga)); PubMed 18445228 (cited by Eurofins Ntd Llc (ga)); PubMed 25168900 (cited by Eurofins Ntd Llc (ga)); PubMed 27820752 (cited by Eurofins Ntd Llc (ga)).

NM_001298.3(CNGA3):c.667C>T (p.Arg223Trp)

Gene: CNGA3 (cyclic nucleotide gated channel subunit alpha 3; plus strand). Cytogenetic location: 2q11.2.
Variant type: single nucleotide variant.
Coding change: c.667C>T on transcript NM_001298.3 (MANE Select); coding-DNA position 667, C replaced by T.
Protein change: p.Arg223Trp; replaces arginine 223 with tryptophan.
Molecular consequence: missense variant.
Genome position (GRCh38, 1-based): chr2:98,391,964, C>T. VCF-style: chr2-98391964-C-T. GRCh37 (hg19) VCF-style: chr2-99008427-C-T.
Other names: c.613C>T, p.Arg205Trp (NM_001079878.2); short protein forms R223W, R205W.
Identifiers: ClinVar variation 498768 (VCV000498768.20), dbSNP rs138958917, ClinGen allele CA1793841.